The following is an entry in ClinVar:

NM_001349253.2(SCN11A):c.4109T>G (p.Ile1370Ser)

Gene: SCN11A (sodium voltage-gated channel alpha subunit 11; minus strand). Cytogenetic location: 3p22.2.
Variant type: single nucleotide variant.
Coding change: c.4109T>G on transcript NM_001349253.2 (MANE Select); coding-DNA position 4109, T replaced by G.
Protein change: p.Ile1370Ser; replaces isoleucine 1370 with serine.
Molecular consequence: missense variant.
Genome position (GRCh38, 1-based): chr3:38,850,699, A>C on the plus strand (T>G on the coding strand, the complement: SCN11A is on the minus strand). VCF-style: chr3-38850699-A-C. GRCh37 (hg19) VCF-style: chr3-38892190-A-C.
Other names: c.4109T>G, p.Ile1370Ser (NM_014139.3); short protein forms I1370S.
Identifiers: ClinVar variation 834772 (VCV000834772.9), dbSNP rs772646322, ClinGen allele CA2321594.

ClinVar aggregate classification (germline): Uncertain significance. Review status: criteria provided, multiple submitters, no conflicts (2 of 4 stars). 3 submissions from 3 submitters: Uncertain significance (3). Last evaluated 2025-12-10.

Conditions:
SCN11A-related disorder. Also called: SCN11A-related condition.
Inborn genetic diseases. Identifiers: MedGen C0950123, MeSH D030342.
Familial episodic pain syndrome with predominantly lower limb involvement. Also called: Episodic pain syndrome, familial, 3. Identifiers: Orphanet 391384, Orphanet 391392, MedGen C3809899, MONDO:0014247, OMIM 615552.
Hereditary sensory and autonomic neuropathy type 7. Also called: Neuropathy, hereditary sensory and autonomic, type VII; HSAN VII. Identifiers: Orphanet 391397, MedGen C3809882, MONDO:0014244, OMIM 615548.

Allele frequency attached by ClinVar (database versions not stated): ExAC 0.00002; TOPMed 0.00002.
gnomAD v4.1: 91 of 1,613,352 alleles (0.0056%); highest among the groups gnomAD compares: Admixed American, 0.0083%; no homozygotes.

Submissions (3):

Labcorp Genetics (formerly Invitae), Labcorp
Classification: Uncertain significance for Familial episodic pain syndrome with predominantly lower limb involvement; Hereditary sensory and autonomic neuropathy type 7. Last evaluated: 2025-12-10. Review status: criteria provided, single submitter. Criteria: Invitae Variant Classification Sherloc (09022015). Collection method: clinical testing. Allele origin: germline.
Comment: This sequence change replaces isoleucine, which is neutral and non-polar, with serine, which is neutral and polar, at codon 1370 of the SCN11A protein (p.Ile1370Ser). This variant is present in population databases (rs772646322, gnomAD 0.004%). This variant has not been reported in the literature in individuals affected with SCN11A-related conditions. ClinVar contains an entry for this variant (Variation ID: 834772). Invitae Evidence Modeling of protein sequence and biophysical properties (such as structural, functional, and spatial information, amino acid conservation, physicochemical variation, residue mobility, and thermodynamic stability) indicates that this missense variant is expected to disrupt SCN11A protein function with a positive predictive value of 80%. In summary, the available evidence is currently insufficient to determine the role of this variant in disease. Therefore, it has been classified as a Variant of Uncertain Significance.

PreventionGenetics, part of Exact Sciences
Classification: Uncertain significance for SCN11A-related condition. Last evaluated: 2025-06-24. Review status: criteria provided, single submitter. Criteria: ACMG Guidelines, 2015. Collection method: clinical testing. Allele origin: germline.
Comment: The SCN11A c.4109T>G variant is predicted to result in the amino acid substitution p.Ile1370Ser. To our knowledge, this variant has not been reported in the literature. This variant is reported in 0.0044% of alleles in individuals of European (non-Finnish) descent in gnomAD. At this time, the clinical significance of this variant is uncertain due to the absence of conclusive functional and genetic evidence.

Ambry Genetics
Classification: Uncertain significance for Inborn genetic diseases. Last evaluated: 2023-03-01. Review status: criteria provided, single submitter. Criteria: Ambry Variant Classification Scheme 2023. Collection method: clinical testing. Allele origin: germline.